The following is an entry in ClinVar:

NM_001374353.1(GLI2):c.672G>A (p.Thr224=)

Gene: GLI2 (GLI family zinc finger 2; plus strand). Cytogenetic location: 2q14.2.
Variant type: single nucleotide variant.
Coding change: c.672G>A on transcript NM_001374353.1 (MANE Select); coding-DNA position 672, G replaced by A.
Protein change: p.Thr224=; no amino-acid change (threonine 224 retained).
Molecular consequence: synonymous variant.
Genome position (GRCh38, 1-based): chr2:120,968,742, G>A. VCF-style: chr2-120968742-G-A. GRCh37 (hg19) VCF-style: chr2-121726318-G-A.
Other names: c.672G>A, p.Thr224= (NM_001371271.1, NM_005270.5); c.297G>A, p.Thr99= (NM_001374354.1).
Identifiers: ClinVar variation 710564 (VCV000710564.12), dbSNP rs147049153, ClinGen allele CA1851628.
Genomic context (GRCh38, chr2:120,968,742, plus strand): 5'-TGCTGACCTGTCTTGTGTTGACTATCCCACAGTGTCCCGTTTCTCCAGCCCGCGGGTGAC[G>A]CCCCGCCTGAGCCGCAAGCGGGCGCTGTCCATCTCCCCACTCTCAGACGCCAGCCTGGAC-3'
Protein context (NP_001361282.1, residues 214-234): DVSRFSSPRV[Thr224=]PRLSRKRALS

ClinVar aggregate classification (germline): Likely benign. Review status: criteria provided, multiple submitters, no conflicts (2 of 4 stars). 4 submissions from 4 submitters: Likely benign (4). Last evaluated 2026-09-01.

Conditions:
Holoprosencephaly 9 (HPE9). Also called: PITUITARY ANOMALIES WITH HOLOPROSENCEPHALY-LIKE FEATURES; HOLOPROSENCEPHALY WITH MICROPHTHALMIA AND FIRST BRANCHIAL ARCH ANOMALIES. Identifiers: Orphanet 2162, MedGen C1835819, MONDO:0012563, OMIM 610829.
Postaxial polydactyly-anterior pituitary anomalies-facial dysmorphism syndrome. Also called: Culler-Jones syndrome. Identifiers: Orphanet 420584, MedGen C4014479, MONDO:0014369, OMIM 615849.

Allele frequency attached by ClinVar (database versions not stated): gnomAD exomes 0.00004 and 0.00006; ExAC 0.00005; gnomAD 0.00005 and 0.00006; TOPMed 0.00005; ESP Exome Variant Server 0.00023.
gnomAD v4.1: 65 of 1,613,168 alleles (0.004%); highest among the groups gnomAD compares: African/African-American, 0.0067%; no homozygotes.

Submissions (4):

CeGaT Center for Human Genetics Tuebingen
Classification: Likely benign. Last evaluated: 2026-09-01. Review status: criteria provided, single submitter. Criteria: CeGaT Center For Human Genetics Tuebingen Variant Classification Criteria Version 2. Collection method: clinical testing. Allele origin: germline. Affected: yes. Observed: 1 variant allele.
Comment: GLI2: BP4, BP7

Labcorp Genetics (formerly Invitae), Labcorp
Classification: Likely benign for Postaxial polydactyly-anterior pituitary anomalies-facial dysmorphism syndrome; Holoprosencephaly 9. Last evaluated: 2025-03-04. Review status: criteria provided, single submitter. Criteria: Invitae Variant Classification Sherloc (09022015). Collection method: clinical testing. Allele origin: germline.

Women's Health and Genetics/Laboratory Corporation of America, LabCorp
Classification: Likely benign. Last evaluated: 2025-02-17. Review status: criteria provided, single submitter. Criteria: LabCorp Variant Classification Summary - May 2015. Collection method: clinical testing. Allele origin: germline.

Laboratory of Genetics, Children's Clinical University Hospital Latvia
Classification: Likely benign. Last evaluated: 2025-02-16. Review status: criteria provided, single submitter. Criteria: ACMG Guidelines, 2015. Collection method: clinical testing. Allele origin: germline. Affected: yes.